The following is an entry in ClinVar:

NM_000553.6(WRN):c.95A>G (p.Lys32Arg)

Gene: WRN (WRN RecQ like helicase; plus strand). Cytogenetic location: 8p12.
Variant type: single nucleotide variant.
Coding change: c.95A>G on transcript NM_000553.6 (MANE Select); coding-DNA position 95, A replaced by G.
Protein change: p.Lys32Arg; replaces lysine 32 with arginine.
Molecular consequence: missense variant.
Genome position (GRCh38, 1-based): chr8:31,058,542, A>G. VCF-style: chr8-31058542-A-G. GRCh37 (hg19) VCF-style: chr8-30916058-A-G.
Other names: short protein forms K32R.
Identifiers: ClinVar variation 135423 (VCV000135423.63), dbSNP rs34477820, ClinGen allele CA162716.

ClinVar aggregate classification (germline): Conflicting classifications of pathogenicity. Review status: criteria provided, conflicting classifications (1 of 4 stars). 11 submissions from 11 submitters: Uncertain significance (1); Benign (3); Likely benign (3). 4 of the submissions do not count toward it. Last evaluated 2026-09-01.

Conditions:
Werner syndrome (WRN). Identifiers: Orphanet 902, MedGen C0043119, MONDO:0010196, OMIM 277700.

Allele frequency attached by ClinVar (database versions not stated): 1000 Genomes Project 0.00120; 1000 Genomes Project 30x 0.00156; TOPMed 0.00286; ESP Exome Variant Server 0.00300; gnomAD 0.00303 and 0.00310; gnomAD exomes 0.00305 and 0.00398; ExAC 0.00366.
gnomAD v4.1: 6,223 of 1,613,424 alleles (0.39%); highest among the groups gnomAD compares: Non-Finnish European, 0.48%; 20 homozygotes.

Submissions (25):

CeGaT Center for Human Genetics Tuebingen
Classification: Likely benign. Last evaluated: 2026-09-01. Review status: criteria provided, single submitter. Criteria: CeGaT Center For Human Genetics Tuebingen Variant Classification Criteria Version 2. Collection method: clinical testing. Allele origin: germline. Affected: yes. Observed: 65 variant alleles.
Comment: WRN: BP4, BS2

Labcorp Genetics (formerly Invitae), Labcorp
Classification: Benign for Werner syndrome. Last evaluated: 2026-02-04. Review status: criteria provided, single submitter. Criteria: Invitae Variant Classification Sherloc (09022015). Collection method: clinical testing. Allele origin: germline.

Mayo Clinic Laboratories, Mayo Clinic
Classification: Likely benign. Last evaluated: 2025-07-08. Review status: criteria provided, single submitter. Criteria: ACMG Guidelines, 2015. Collection method: clinical testing. Allele origin: germline. Observed: 1 variant allele.
Comment: BS1, BP4_moderate

Genetic Services Laboratory, University of Chicago
Classification: Likely benign. Last evaluated: 2020-10-05. Review status: criteria provided, single submitter. Criteria: ACMG Guidelines, 2015. Collection method: clinical testing. Allele origin: germline. Affected: no.

GeneDx
Classification: Benign. Last evaluated: 2019-05-20. Review status: criteria provided, single submitter. Criteria: GeneDx Variant Classification Process June 2021. Collection method: clinical testing. Allele origin: germline. Affected: yes.
Comment: This variant is associated with the following publications: (PMID: 28063943)

Illumina Laboratory Services, Illumina
Classification: Uncertain significance for Werner syndrome. Last evaluated: 2018-01-13. Review status: criteria provided, single submitter. Criteria: ICSL Variant Classification Criteria 13 December 2019. Collection method: clinical testing. Allele origin: germline.

Eurofins Ntd Llc (ga)
Classification: Benign. Last evaluated: 2015-04-24. Review status: criteria provided, single submitter. Criteria: EGL Classification Definitions 2015. Collection method: clinical testing. Allele origin: germline. Observed: 4 variant alleles, 4 heterozygotes.

ITMI
No classification provided. Condition: AllHighlyPenetrant. Last evaluated: 2013-09-19. Review status: no classification provided. Collection method: reference population. Allele origin: germline. Not counted in ClinVar's aggregate classification.
Comment: Please see associated publication for description of ethnicities

Clinical Genetics DNA and cytogenetics Diagnostics Lab, Erasmus MC, Erasmus Medical Center
Classification: Likely benign. Review status: no assertion criteria provided. Collection method: clinical testing. Allele origin: germline. Affected: yes. Study: VKGL Data-share Consensus. Not counted in ClinVar's aggregate classification.

Dr. Peter K. Rogan Lab, Western University
No classification provided (evidence only). Condition: Clear cell carcinoma of kidney. Review status: no classification provided. Collection method: in vitro. Allele origin: not applicable. Functional consequence: retained intron. Not counted in ClinVar's aggregate classification.

Dr. Peter K. Rogan Lab, Western University
No classification provided (evidence only). Condition: Clear cell carcinoma of kidney. Review status: no classification provided. Collection method: in vitro. Allele origin: not applicable. Functional consequence: retained intron. Not counted in ClinVar's aggregate classification.

Dr. Peter K. Rogan Lab, Western University
No classification provided (evidence only). Condition: Clear cell carcinoma of kidney. Review status: no classification provided. Collection method: in vitro. Allele origin: not applicable. Functional consequence: retained intron. Not counted in ClinVar's aggregate classification.

Dr. Peter K. Rogan Lab, Western University
No classification provided (evidence only). Condition: Familial cancer of breast. Review status: no classification provided. Collection method: in vitro. Allele origin: not applicable. Functional consequence: retained intron. Not counted in ClinVar's aggregate classification.

Dr. Peter K. Rogan Lab, Western University
No classification provided (evidence only). Condition: Familial cancer of breast. Review status: no classification provided. Collection method: in vitro. Allele origin: not applicable. Functional consequence: retained intron. Not counted in ClinVar's aggregate classification.

Dr. Peter K. Rogan Lab, Western University
No classification provided (evidence only). Condition: Colon adenocarcinoma. Review status: no classification provided. Collection method: in vitro. Allele origin: not applicable. Functional consequence: retained intron. Not counted in ClinVar's aggregate classification.

Dr. Peter K. Rogan Lab, Western University
No classification provided (evidence only). Condition: Colorectal cancer. Review status: no classification provided. Collection method: in vitro. Allele origin: not applicable. Functional consequence: retained intron. Not counted in ClinVar's aggregate classification.

Dr. Peter K. Rogan Lab, Western University
No classification provided (evidence only). Condition: Cervical cancer. Review status: no classification provided. Collection method: in vitro. Allele origin: not applicable. Functional consequence: retained intron. Not counted in ClinVar's aggregate classification.

Dr. Peter K. Rogan Lab, Western University
No classification provided (evidence only). Condition: Cervical cancer. Review status: no classification provided. Collection method: in vitro. Allele origin: not applicable. Functional consequence: retained intron. Not counted in ClinVar's aggregate classification.

Dr. Peter K. Rogan Lab, Western University
No classification provided (evidence only). Condition: Ovarian serous cystadenocarcinoma. Review status: no classification provided. Collection method: in vitro. Allele origin: not applicable. Functional consequence: retained intron. Not counted in ClinVar's aggregate classification.

Dr. Peter K. Rogan Lab, Western University
No classification provided (evidence only). Condition: Ovarian serous cystadenocarcinoma. Review status: no classification provided. Collection method: in vitro. Allele origin: not applicable. Functional consequence: retained intron. Not counted in ClinVar's aggregate classification.

Dr. Peter K. Rogan Lab, Western University
No classification provided (evidence only). Condition: Gastric cancer. Review status: no classification provided. Collection method: in vitro. Allele origin: not applicable. Functional consequence: retained intron. Not counted in ClinVar's aggregate classification.

Dr. Peter K. Rogan Lab, Western University
No classification provided (evidence only). Condition: Malignant tumor of esophagus. Review status: no classification provided. Collection method: in vitro. Allele origin: not applicable. Functional consequence: retained intron. Not counted in ClinVar's aggregate classification.

Dr. Peter K. Rogan Lab, Western University
No classification provided (evidence only). Condition: Chronic lymphocytic leukemia/small lymphocytic lymphoma. Review status: no classification provided. Collection method: in vitro. Allele origin: not applicable. Functional consequence: retained intron. Not counted in ClinVar's aggregate classification.

Genome Diagnostics Laboratory, Amsterdam University Medical Center
Classification: Likely benign. Review status: no assertion criteria provided. Collection method: clinical testing. Allele origin: germline. Affected: yes. Study: VKGL Data-share Consensus. Not counted in ClinVar's aggregate classification.

Laboratory of Diagnostic Genome Analysis, Leiden University Medical Center (LUMC)
Classification: Likely benign. Review status: no assertion criteria provided. Collection method: clinical testing. Allele origin: germline. Affected: yes. Study: VKGL Data-share Consensus. Not counted in ClinVar's aggregate classification.

Literature cited by the submitters: PubMed 24728327 (cited by ITMI).